The following is an entry in ClinVar:

ClinVar aggregate classification (germline): Uncertain significance (1 of 4 stars; one submission).

Conditions:
5-Oxoprolinase deficiency (OPLAHD). Also called: 5-OXOPROLINURIA DUE TO 5-OXOPROLINASE DEFICIENCY. Identifiers: Orphanet 33572, MedGen C0268525, MONDO:0009825, OMIM 260005, HP:0040142.

Allele frequency attached by ClinVar (database versions not stated): ExAC 0.00001.
gnomAD v4.1: 7 of 1,612,208 alleles (0.00043%); highest among the groups gnomAD compares: Middle Eastern, 0.016%; no homozygotes.

Submission:

Labcorp Genetics (formerly Invitae), Labcorp
Classification: Uncertain significance for 5-Oxoprolinase deficiency. Last evaluated: 2025-10-02. Review status: criteria provided, single submitter. Criteria: Invitae Variant Classification Sherloc (09022015). Collection method: clinical testing. Allele origin: germline.
Comment: This sequence change replaces arginine, which is basic and polar, with proline, which is neutral and non-polar, at codon 845 of the OPLAH protein (p.Arg845Pro). This variant is present in population databases (rs782343821, gnomAD 0.0009%). This variant has not been reported in the literature in individuals affected with OPLAH-related conditions. ClinVar contains an entry for this variant (Variation ID: 2891157). Experimental studies and prediction algorithms are not available or were not evaluated, and the functional significance of this variant is currently unknown. In summary, the available evidence is currently insufficient to determine the role of this variant in disease. Therefore, it has been classified as a Variant of Uncertain Significance.

NM_017570.5(OPLAH):c.2534G>C (p.Arg845Pro)

Gene: OPLAH (5-oxoprolinase, ATP-hydrolysing; minus strand). Cytogenetic location: 8q24.3.
Variant type: single nucleotide variant.
Coding change: c.2534G>C on transcript NM_017570.5 (MANE Select); coding-DNA position 2534, G replaced by C.
Protein change: p.Arg845Pro; replaces arginine 845 with proline.
Molecular consequence: missense variant.
Genome position (GRCh38, 1-based): chr8:144,054,713, C>G on the plus strand (G>C on the coding strand, the complement: OPLAH is on the minus strand). VCF-style: chr8-144054713-C-G. GRCh37 (hg19) VCF-style: chr8-145109616-C-G.
Other names: short protein forms R845P.
Identifiers: ClinVar variation 2891157 (VCV002891157.3), dbSNP rs782343821, ClinGen allele CA4931424.